The following is an entry in ClinVar:

NM_003036.4(SKI):c.1403T>A (p.Leu468Gln)

Gene: SKI (SKI proto-oncogene; plus strand). Cytogenetic location: 1p36.32.
Variant type: single nucleotide variant.
Coding change: c.1403T>A on transcript NM_003036.4 (MANE Select); coding-DNA position 1403, T replaced by A.
Protein change: p.Leu468Gln; replaces leucine 468 with glutamine.
Molecular consequence: missense variant.
Genome position (GRCh38, 1-based): chr1:2,304,031, T>A. VCF-style: chr1-2304031-T-A. GRCh37 (hg19) VCF-style: chr1-2235470-T-A.
Other names: short protein forms L468Q.
Identifiers: ClinVar variation 3223054 (VCV003223054.1), dbSNP rs2521486793, ClinGen allele CA337956635.
Genomic context (GRCh38, chr1:2,304,031, plus strand): 5'-CTTGCACCCAGCCTCGGAAGCGGAAGCTGACTGTGGACACCCCAGGAGCCCCAGAGACGC[T>A]GGCGCCCGTGGCTGCCCCAGAGGAGGACAAGGACTCGGAGGCGGAGGTGGAAGTTGAAAG-3'
Protein context (NP_003027.1, residues 458-478): TVDTPGAPET[Leu468Gln]APVAAPEEDK

ClinVar aggregate classification (germline): Uncertain significance (1 of 4 stars; one submission).

Conditions:
Familial thoracic aortic aneurysm and aortic dissection (TAAD). Also called: Thoracic aortic aneurysms and dissections. Identifiers: Orphanet 91387, MedGen C4707243, MONDO:0019625.

Submission:

Ambry Genetics
Classification: Uncertain significance for Familial thoracic aortic aneurysm and aortic dissection. Last evaluated: 2023-12-30. Review status: criteria provided, single submitter. Criteria: Ambry Variant Classification Scheme 2023. Collection method: clinical testing. Allele origin: germline.
Comment: The p.L468Q variant (also known as c.1403T>A), located in coding exon 4 of the SKI gene, results from a T to A substitution at nucleotide position 1403. The leucine at codon 468 is replaced by glutamine, an amino acid with dissimilar properties. This amino acid position is conserved. In addition, this alteration is predicted to be tolerated by in silico analysis. Since supporting evidence is limited at this time, the clinical significance of this alteration remains unclear.